The following is an entry in ClinVar:

NM_001145196.1(SPATA31A6):c.3430G>A (p.Val1144Ile)

Gene: SPATA31A6 (SPATA31 subfamily A member 6; plus strand). Cytogenetic location: 9p11.2.
Variant type: single nucleotide variant.
Coding change: c.3430G>A on transcript NM_001145196.1 (MANE Select); coding-DNA position 3430, G replaced by A.
Protein change: p.Val1144Ile; replaces valine 1144 with isoleucine.
Molecular consequence: missense variant.
Genome position (GRCh38, 1-based): chr9:42,189,132, G>A. VCF-style: chr9-42189132-G-A. GRCh37 (hg19) VCF-style: chr9-43625257-C-T.
Other names: short protein forms V1144I.
Identifiers: ClinVar variation 2659214 (VCV002659214.24), dbSNP rs532278354, ClinGen allele CA5067366.

ClinVar aggregate classification (germline): Likely benign (1 of 4 stars; one submission).

Allele frequency attached by ClinVar (database versions not stated): gnomAD 0.00008; gnomAD exomes 0.00010; 1000 Genomes Project 30x 0.00031; 1000 Genomes Project 0.00040.
gnomAD v4.1: 152 of 1,545,048 alleles (0.0098%); highest among the groups gnomAD compares: Middle Eastern, 0.047%; 18 homozygotes.

Submission:

CeGaT Center for Human Genetics Tuebingen
Classification: Likely benign. Last evaluated: 2022-12-01. Review status: criteria provided, single submitter. Criteria: CeGaT Center For Human Genetics Tuebingen Variant Classification Criteria Version 2. Collection method: clinical testing. Allele origin: germline. Affected: yes. Observed: 1 variant allele.
Comment: SPATA31A6: BS2